The following is an entry in ClinVar:

ClinVar aggregate classification (germline): Uncertain significance (1 of 4 stars; one submission).

Conditions:
Inborn genetic diseases. Identifiers: MedGen C0950123, MeSH D030342.

Allele frequency attached by ClinVar (database versions not stated): gnomAD exomes below 0.00001.
gnomAD v4.1: 1 of 1,544,598 alleles (0.000065%); highest among the groups gnomAD compares: Admixed American, 0.002%; no homozygotes.

Submission:

Ambry Genetics
Classification: Uncertain significance for Inborn genetic diseases. Last evaluated: 2021-03-25. Review status: criteria provided, single submitter. Criteria: Ambry Variant Classification Scheme 2023. Collection method: clinical testing. Allele origin: germline.
Comment: The c.3112T>A (p.S1038T) alteration is located in exon 25 (coding exon 23) of the ADAMTS10 gene. This alteration results from a T to A substitution at nucleotide position 3112, causing the serine (S) at amino acid position 1038 to be replaced by a threonine (T). The p.S1038T alteration is predicted to be tolerated by in silico analysis. Based on insufficient or conflicting evidence, the clinical significance of this alteration remains unclear.

NM_030957.4(ADAMTS10):c.3112T>A (p.Ser1038Thr)

Gene: ADAMTS10 (ADAM metallopeptidase with thrombospondin type 1 motif 10; minus strand). Cytogenetic location: 19p13.2.
Variant type: single nucleotide variant.
Coding change: c.3112T>A on transcript NM_030957.4 (MANE Select); coding-DNA position 3112, T replaced by A.
Protein change: p.Ser1038Thr; replaces serine 1038 with threonine.
Molecular consequence: missense variant.
Genome position (GRCh38, 1-based): chr19:8,584,985, A>T on the plus strand (T>A on the coding strand, the complement: ADAMTS10 is on the minus strand). VCF-style: chr19-8584985-A-T. GRCh37 (hg19) VCF-style: chr19-8649869-A-T.
Other names: c.1573T>A, p.Ser525Thr (NM_001282352.2); short protein forms S1038T, S525T.
Identifiers: ClinVar variation 2229713 (VCV002229713.2), dbSNP rs1555736455, ClinGen allele CA403748244.